The following is an entry in ClinVar:

NM_000088.4(COL1A1):c.1200+1_1200+8del

Gene: COL1A1 (collagen type I alpha 1 chain; minus strand). Cytogenetic location: 17q21.33.
Variant type: Deletion.
Coding change: c.1200+1_1200+8del on transcript NM_000088.4 (MANE Select); the canonical splice donor site of the intron after coding-DNA position 1200 through 8 bases into the intron after coding-DNA position 1200, 8 bases deleted (GTAAGTAT; older notation c.1200+1_1200+8delGTAAGTAT).
Molecular consequence: splice donor variant.
Genome position (GRCh38, 1-based): chr17:50,195,426-50,195,433, ATACTTAC deleted on the plus strand (GTAAGTAT on the coding strand, the reverse complement: COL1A1 is on the minus strand); deleting any 8 consecutive bases within chr17:50,195,426-50,195,435 gives the same sequence; the c. name uses the placement nearest the transcript's 3' end. VCF-style (leftmost placement, unchanged base first): chr17-50195425-GATACTTAC-G. GRCh37 (hg19) VCF-style: chr17-48272786-GATACTTAC-G.
Identifiers: ClinVar variation 4886578 (VCV004886578.2).

ClinVar aggregate classification (germline): Likely pathogenic (1 of 4 stars; one submission).

Submission:

Dasa
Classification: Likely pathogenic. Last evaluated: 2025-12-17. Review status: criteria provided, single submitter. Criteria: DASA Assertion Criteria. Collection method: clinical testing. Allele origin: germline.
Comment: NM_000088.4(COL1A1):c.1200+1_1200+8del is a splice-region variant predicted to affect normal RNA splicing. This variant is absent from population databases. Based on the currently available evidence, this variant is classified as likely pathogenic.